The following is an entry in ClinVar:

NM_001374353.1(GLI2):c.1893C>T (p.Thr631=)

Gene: GLI2 (GLI family zinc finger 2; plus strand). Cytogenetic location: 2q14.2.
Variant type: single nucleotide variant.
Coding change: c.1893C>T on transcript NM_001374353.1 (MANE Select); coding-DNA position 1893, C replaced by T.
Protein change: p.Thr631=; no amino-acid change (threonine 631 retained).
Molecular consequence: synonymous variant.
Genome position (GRCh38, 1-based): chr2:120,984,731, C>T. VCF-style: chr2-120984731-C-T. GRCh37 (hg19) VCF-style: chr2-121742307-C-T.
Other names: c.1944C>T, p.Thr648= (NM_001371271.1, NM_005270.5); c.1518C>T, p.Thr506= (NM_001374354.1).
Identifiers: ClinVar variation 259721 (VCV000259721.30), dbSNP rs13008360, ClinGen allele CA1852052.

ClinVar aggregate classification (germline): Benign/Likely benign. Review status: criteria provided, multiple submitters, no conflicts (2 of 4 stars). 8 submissions from 8 submitters: Benign (7); Likely benign (1). Last evaluated 2026-05-09.

Conditions:
Holoprosencephaly 9 (HPE9). Also called: HOLOPROSENCEPHALY WITH MICROPHTHALMIA AND FIRST BRANCHIAL ARCH ANOMALIES; PITUITARY ANOMALIES WITH HOLOPROSENCEPHALY-LIKE FEATURES. Identifiers: Orphanet 2162, MedGen C1835819, MONDO:0012563, OMIM 610829.
Postaxial polydactyly-anterior pituitary anomalies-facial dysmorphism syndrome. Also called: Culler-Jones syndrome. Identifiers: Orphanet 420584, MedGen C4014479, MONDO:0014369, OMIM 615849.

Allele frequency attached by ClinVar (database versions not stated): 1000 Genomes Project 30x 0.00765; 1000 Genomes Project 0.00799; TOPMed 0.01716; ESP Exome Variant Server 0.01963; gnomAD 0.02306; gnomAD exomes 0.02346; ExAC 0.02527.
gnomAD v4.1: 42,130 of 1,612,710 alleles (2.6%); highest among the groups gnomAD compares: Non-Finnish European, 3%; 694 homozygotes.

Submissions (8):

Women's Health and Genetics/Laboratory Corporation of America, LabCorp
Classification: Benign. Last evaluated: 2026-05-09. Review status: criteria provided, single submitter. Criteria: LabCorp Variant Classification Summary - May 2015. Collection method: clinical testing. Allele origin: germline.

Labcorp Genetics (formerly Invitae), Labcorp
Classification: Benign for Postaxial polydactyly-anterior pituitary anomalies-facial dysmorphism syndrome; Holoprosencephaly 9. Last evaluated: 2026-02-01. Review status: criteria provided, single submitter. Criteria: Invitae Variant Classification Sherloc (09022015). Collection method: clinical testing. Allele origin: germline.

Blueprint Genetics
Classification: Likely benign. Last evaluated: 2024-11-26. Review status: criteria provided, single submitter. Criteria: ACMG Guidelines, 2015. Collection method: clinical testing. Allele origin: germline.

ARUP Laboratories, Molecular Genetics and Genomics, ARUP Laboratories
Classification: Benign. Last evaluated: 2023-09-08. Review status: criteria provided, single submitter. Criteria: ARUP Molecular Germline Variant Investigation Process 2024. Collection method: clinical testing. Allele origin: germline.

GeneDx
Classification: Benign. Last evaluated: 2019-08-14. Review status: criteria provided, single submitter. Criteria: GeneDx Variant Classification Process June 2021. Collection method: clinical testing. Allele origin: germline. Affected: yes.

Illumina Laboratory Services, Illumina
Classification: Benign for Holoprosencephaly 9. Last evaluated: 2018-01-13. Review status: criteria provided, single submitter. Criteria: ICSL Variant Classification Criteria 13 December 2019. Collection method: clinical testing. Allele origin: germline.
Comment: This variant was observed in the ICSL laboratory as part of a predisposition screen in an ostensibly healthy population. It had not been previously curated by ICSL or reported in the Human Gene Mutation Database (HGMD: prior to June 1st, 2018), and was therefore a candidate for classification through an automated scoring system. Utilizing variant allele frequency, disease prevalence and penetrance estimates, and inheritance mode, an automated score was calculated to assess if this variant is too frequent to cause the disease. Based on the score and internal cut-off values, a variant classified as benign is not then subjected to further curation. The score for this variant resulted in a classification of benign for this disease.

PreventionGenetics, part of Exact Sciences
Classification: Benign. Last evaluated: 2016-03-18. Review status: criteria provided, single submitter. Criteria: ACMG Guidelines, 2015. Collection method: clinical testing. Allele origin: germline.

Breakthrough Genomics
Classification: Benign. Review status: criteria provided, single submitter. Criteria: ACMG Guidelines, 2015. Collection method: not provided. Allele origin: germline. Inheritance: Autosomal dominant inheritance. Affected: yes.